The following is an entry in ClinVar:

NM_031935.3(HMCN1):c.16623C>G (p.Leu5541=)

Gene: HMCN1 (hemicentin 1; plus strand). Cytogenetic location: 1q31.1.
Variant type: single nucleotide variant.
Coding change: c.16623C>G on transcript NM_031935.3 (MANE Select); coding-DNA position 16623, C replaced by G.
Protein change: p.Leu5541=; no amino-acid change (leucine 5541 retained).
Molecular consequence: synonymous variant.
Genome position (GRCh38, 1-based): chr1:186,189,593, C>G. VCF-style: chr1-186189593-C-G. GRCh37 (hg19) VCF-style: chr1-186158725-C-G.
Identifiers: ClinVar variation 294307 (VCV000294307.39), dbSNP rs151256828, ClinGen allele CA1295619.

ClinVar aggregate classification (germline): Benign/Likely benign. Review status: criteria provided, multiple submitters, no conflicts (2 of 4 stars). 6 submissions from 6 submitters: Benign (3); Likely benign (3). Last evaluated 2026-01-22.

Conditions:
Age related macular degeneration 1 (ARMD1). Also called: MACULOPATHY, AGE-RELATED, 1. Identifiers: MedGen C1864205, MONDO:0011285, OMIM 603075.

Allele frequency attached by ClinVar (database versions not stated): gnomAD exomes 0.00204 and 0.00314; ESP Exome Variant Server 0.00292; gnomAD 0.00293 and 0.00295; ExAC 0.00327; TOPMed 0.00357; 1000 Genomes Project 0.00399; 1000 Genomes Project 30x 0.00406.
gnomAD v4.1: 3,533 of 1,613,616 alleles (0.22%); highest among the groups gnomAD compares: Middle Eastern, 2.6%; 17 homozygotes.

Submissions (6):

Labcorp Genetics (formerly Invitae), Labcorp
Classification: Benign. Last evaluated: 2026-01-22. Review status: criteria provided, single submitter. Criteria: Invitae Variant Classification Sherloc (09022015). Collection method: clinical testing. Allele origin: germline.

CeGaT Center for Human Genetics Tuebingen
Classification: Benign. Last evaluated: 2025-12-01. Review status: criteria provided, single submitter. Criteria: CeGaT Center For Human Genetics Tuebingen Variant Classification Criteria Version 2. Collection method: clinical testing. Allele origin: germline. Affected: yes. Observed: 4 variant alleles.
Comment: HMCN1: BP4, BS1, BS2

Blueprint Genetics
Classification: Likely benign. Last evaluated: 2024-11-26. Review status: criteria provided, single submitter. Criteria: ACMG Guidelines, 2015. Collection method: clinical testing. Allele origin: germline.

Genome-Nilou Lab
Classification: Benign for Age related macular degeneration 1. Last evaluated: 2023-04-11. Review status: criteria provided, single submitter. Criteria: ACMG Guidelines, 2015. Collection method: clinical testing. Allele origin: germline. Affected: no.

Illumina Laboratory Services, Illumina
Classification: Likely benign for Age related macular degeneration 1. Last evaluated: 2018-01-13. Review status: criteria provided, single submitter. Criteria: ICSL Variant Classification Criteria 13 December 2019. Collection method: clinical testing. Allele origin: germline.
Comment: This variant was observed in the ICSL laboratory as part of a predisposition screen in an ostensibly healthy population. It had not been previously curated by ICSL or reported in the Human Gene Mutation Database (HGMD: prior to June 1st, 2018), and was therefore a candidate for classification through an automated scoring system. Utilizing variant allele frequency, disease prevalence and penetrance estimates, and inheritance mode, an automated score was calculated to assess if this variant is too frequent to cause the disease. Based on the score and internal cut-off values, a variant classified as likely benign is not then subjected to further curation. The score for this variant resulted in a classification of likely benign for this disease.

Breakthrough Genomics
Classification: Likely benign. Review status: criteria provided, single submitter. Criteria: ACMG Guidelines, 2015. Collection method: not provided. Allele origin: germline. Inheritance: Autosomal dominant inheritance. Affected: yes.